The following is an entry in ClinVar:

NC_000016.9:g.(89816311_89818545)_(89871801_89874701)del

Gene: FANCA (FA complementation group A; minus strand). Cytogenetic location: 16q24.3.
Variant type: Deletion.
Identifiers: ClinVar variation 974296 (VCV000974296.1).

ClinVar aggregate classification (germline): Pathogenic (0 of 4 stars; one submission).

Conditions:
Fanconi anemia complementation group A (FANCA). Also called: Fanconi anemia, group A; FANCA-Related Fanconi Anemia. Identifiers: Orphanet 84, MedGen C3469521, MONDO:0009215, OMIM 227650.

Submission:

Leiden Open Variation Database
Classification: Pathogenic for Fanconi anemia complementation group A. Last evaluated: 2020-02-28. Review status: no assertion criteria provided. Collection method: curation. Allele origin: germline. Affected: yes.
Comment: Curator: Arleen D. Auerbach. Submitters to LOVD: Arleen D. Auerbach, Johan de Winter.

Literature cited by the submitters: PubMed 10094191; PubMed 22778927.